The following is an entry in ClinVar:

NM_002439.5(MSH3):c.1939C>A (p.His647Asn)

Gene: MSH3 (mutS homolog 3; plus strand). Cytogenetic location: 5q14.1.
Variant type: single nucleotide variant.
Coding change: c.1939C>A on transcript NM_002439.5 (MANE Select); coding-DNA position 1939, C replaced by A.
Protein change: p.His647Asn; replaces histidine 647 with asparagine.
Molecular consequence: missense variant.
Genome position (GRCh38, 1-based): chr5:80,767,975, C>A. VCF-style: chr5-80767975-C-A. GRCh37 (hg19) VCF-style: chr5-80063794-C-A.
Other names: short protein forms H647N.
Identifiers: ClinVar variation 658685 (VCV000658685.14), dbSNP rs1418780560, ClinGen allele CA360277520.

ClinVar aggregate classification (germline): Uncertain significance. Review status: criteria provided, multiple submitters, no conflicts (2 of 4 stars). 4 submissions from 4 submitters: Uncertain significance (4). Last evaluated 2025-12-15.

Conditions:
Hereditary cancer-predisposing syndrome. Also called: Hereditary neoplastic syndrome; Neoplastic Syndromes, Hereditary; Hereditary Cancer Syndrome; Tumor predisposition. Identifiers: Orphanet 140162, MedGen C0027672, MeSH D009386, MONDO:0015356.
Endometrial carcinoma. Also called: Endometrial carcinoma, somatic. Identifiers: MedGen C0476089, MONDO:0002447, OMIM 608089, HP:0012114.

Allele frequency attached by ClinVar (database versions not stated): gnomAD below 0.00001 and 0.00001; gnomAD exomes below 0.00001.
gnomAD v4.1: 7 of 1,612,868 alleles (0.00043%); highest among the groups gnomAD compares: South Asian, 0.0011%; no homozygotes.

Submissions (4):

Labcorp Genetics (formerly Invitae), Labcorp
Classification: Uncertain significance. Last evaluated: 2025-12-15. Review status: criteria provided, single submitter. Criteria: Invitae Variant Classification Sherloc (09022015). Collection method: clinical testing. Allele origin: germline.
Comment: This sequence change replaces histidine, which is basic and polar, with asparagine, which is neutral and polar, at codon 647 of the MSH3 protein (p.His647Asn). This variant is present in population databases (no rsID available, gnomAD no frequency). This variant has not been reported in the literature in individuals affected with MSH3-related conditions. ClinVar contains an entry for this variant (Variation ID: 658685). An algorithm developed to predict the effect of missense changes on protein structure and function (PolyPhen-2) suggests that this variant is likely to be tolerated. In summary, the available evidence is currently insufficient to determine the role of this variant in disease. Therefore, it has been classified as a Variant of Uncertain Significance.

Ambry Genetics
Classification: Uncertain significance for Hereditary cancer-predisposing syndrome. Last evaluated: 2025-06-03. Review status: criteria provided, single submitter. Criteria: Ambry Variant Classification Scheme 2023. Collection method: clinical testing. Allele origin: germline.
Comment: The p.H647N variant (also known as c.1939C>A), located in coding exon 14 of the MSH3 gene, results from a C to A substitution at nucleotide position 1939. The histidine at codon 647 is replaced by asparagine, an amino acid with similar properties. This amino acid position is not well conserved in available vertebrate species. In addition, this alteration is predicted to be tolerated by in silico analysis. Based on the available evidence, the clinical significance of this variant remains unclear.

Baylor Genetics
Classification: Uncertain significance for Endometrial carcinoma. Last evaluated: 2023-10-20. Review status: criteria provided, single submitter. Criteria: ACMG Guidelines, 2015. Collection method: clinical testing. Allele origin: unknown.

GeneDx
Classification: Uncertain significance. Last evaluated: 2023-01-10. Review status: criteria provided, single submitter. Criteria: GeneDx Variant Classification Process June 2021. Collection method: clinical testing. Allele origin: germline. Affected: yes.
Comment: Not observed at significant frequency in large population cohorts (gnomAD); In silico analysis supports that this missense variant does not alter protein structure/function; Observed in an individual with colorectal cancer and absent in controls (DeRycke et al., 2017); This variant is associated with the following publications: (PMID: 28944238)